The following is an entry in ClinVar:

ClinVar aggregate classification (germline): Benign/Likely benign. Review status: criteria provided, multiple submitters, no conflicts (2 of 4 stars). 2 submissions from 2 submitters: Benign (1); Likely benign (1). Last evaluated 2024-06-29.

Conditions:
Coffin-Siris syndrome 1 (CSS1). Also called: ARID1B-Related Coffin-Siris Syndrome; Mental retardation, autosomal dominant 12. Identifiers: Orphanet 1465, MedGen C3281201, MONDO:0007617, OMIM 135900. Disease mechanism: gain of function.

Allele frequency attached by ClinVar (database versions not stated): gnomAD 0.00005; gnomAD exomes 0.00006; 1000 Genomes Project 30x 0.00016; ExAC 0.00023.

Submissions (2):

Dr.Nikuei Genetic Center
Classification: Benign for Coffin-Siris syndrome 1. Last evaluated: 2024-06-29. Review status: criteria provided, single submitter. Criteria: ACMG Guidelines, 2015. Collection method: clinical testing. Allele origin: germline. Affected: no.

CeGaT Center for Human Genetics Tuebingen
Classification: Likely benign. Last evaluated: 2023-01-01. Review status: criteria provided, single submitter. Criteria: CeGaT Center For Human Genetics Tuebingen Variant Classification Criteria Version 2. Collection method: clinical testing. Allele origin: germline. Affected: yes. Observed: 1 variant allele.
Comment: ARID1B: BS1

NM_001374828.1(ARID1B):c.929T>C (p.Val310Ala)

Genes: ARID1B (AT-rich interaction domain 1B; plus strand), LOC129997525 (ATAC-STARR-seq lymphoblastoid silent region 17712; plus strand). Cytogenetic location: 6q25.3.
Variant type: single nucleotide variant.
Coding change: c.929T>C on transcript NM_001374828.1 (MANE Select); coding-DNA position 929, T replaced by C.
Protein change: p.Val310Ala; replaces valine 310 with alanine.
Molecular consequence: missense variant.
Genome position (GRCh38, 1-based): chr6:156,778,609, T>C. VCF-style: chr6-156778609-T-C. GRCh37 (hg19) VCF-style: chr6-157099743-T-C.
Other names: c.680T>C, p.Val227Ala (NM_001346813.1, NM_020732.3); c.929T>C, p.Val310Ala (NM_001371656.1, NM_001374820.1, NM_017519.3); c.506T>C, p.Val169Ala (NM_175863.2); short protein forms V169A, V227A, V310A.
Identifiers: ClinVar variation 2657053 (VCV002657053.25), dbSNP rs746730857, ClinGen allele CA4066689.